The following is an entry in ClinVar:

ClinVar aggregate classification (germline): Uncertain significance (1 of 4 stars; one submission).

Submission:

Labcorp Genetics (formerly Invitae), Labcorp
Classification: Uncertain significance. Last evaluated: 2023-06-06. Review status: criteria provided, single submitter. Criteria: Invitae Variant Classification Sherloc (09022015). Collection method: clinical testing. Allele origin: germline.
Comment: This sequence change replaces serine, which is neutral and polar, with proline, which is neutral and non-polar, at codon 2925 of the EYS protein (p.Ser2925Pro). This variant is not present in population databases (gnomAD no frequency). This missense change has been observed in individual(s) with retinitis pigmentosa (Invitae). In at least one individual the data is consistent with being in trans (on the opposite chromosome) from a pathogenic variant. ClinVar contains an entry for this variant (Variation ID: 1524197). Advanced modeling of protein sequence and biophysical properties (such as structural, functional, and spatial information, amino acid conservation, physicochemical variation, residue mobility, and thermodynamic stability) has been performed at Invitae for this missense variant, however the output from this modeling did not meet the statistical confidence thresholds required to predict the impact of this variant on EYS protein function. In summary, the available evidence is currently insufficient to determine the role of this variant in disease. Therefore, it has been classified as a Variant of Uncertain Significance.

NM_001142800.2(EYS):c.8773T>C (p.Ser2925Pro)

Genes: EYS (EGF-like photoreceptor maintenance factor; minus strand), PHF3 (PHD finger protein 3; plus strand). Cytogenetic location: 6q12.
Variant type: single nucleotide variant.
Coding change: c.8773T>C on transcript NM_001142800.2 (MANE Select); coding-DNA position 8773, T replaced by C.
Protein change: p.Ser2925Pro; replaces serine 2925 with proline.
Molecular consequence: missense variant. On other transcripts: 3 prime UTR variant (5).
Genome position (GRCh38, 1-based): chr6:63,721,258, A>G on the plus strand (T>C on the coding strand, the complement: EYS is on the minus strand). VCF-style: chr6-63721258-A-G. GRCh37 (hg19) VCF-style: chr6-64431154-A-G.
Other names: c.*7550A>G (NM_001290259.2, NM_001370348.2, NM_001370349.2 and 2 more transcripts); c.8836T>C, p.Ser2946Pro (NM_001292009.2); short protein forms S2925P, S2946P.
Identifiers: ClinVar variation 1524197 (VCV001524197.8), dbSNP rs2149624698, ClinGen allele CA364384007.